The following is an entry in ClinVar:

ClinVar aggregate classification (germline): Likely benign. Review status: criteria provided, multiple submitters, no conflicts (2 of 4 stars). 2 submissions from 2 submitters: Likely benign (2). Last evaluated 2026-09-01.

Allele frequency attached by ClinVar (database versions not stated): TOPMed 0.00001; ExAC 0.00002; gnomAD 0.00002; gnomAD exomes 0.00002.
gnomAD v4.1: 65 of 1,612,548 alleles (0.004%); highest among the groups gnomAD compares: Non-Finnish European, 0.0043%; no homozygotes.

Submissions (2):

CeGaT Center for Human Genetics Tuebingen
Classification: Likely benign. Last evaluated: 2026-09-01. Review status: criteria provided, single submitter. Criteria: CeGaT Center For Human Genetics Tuebingen Variant Classification Criteria Version 2. Collection method: clinical testing. Allele origin: germline. Affected: yes. Observed: 1 variant allele.
Comment: MYH9: BP4

Labcorp Genetics (formerly Invitae), Labcorp
Classification: Likely benign. Last evaluated: 2024-01-19. Review status: criteria provided, single submitter. Criteria: Invitae Variant Classification Sherloc (09022015). Collection method: clinical testing. Allele origin: germline.

NM_002473.6(MYH9):c.4797G>C (p.Glu1599Asp)

Gene: MYH9 (myosin heavy chain 9; minus strand). Cytogenetic location: 22q12.3.
Variant type: single nucleotide variant.
Coding change: c.4797G>C on transcript NM_002473.6 (MANE Select); coding-DNA position 4797, G replaced by C.
Protein change: p.Glu1599Asp; replaces glutamic acid 1599 with aspartic acid.
Molecular consequence: missense variant.
Genome position (GRCh38, 1-based): chr22:36,288,387, C>G on the plus strand (G>C on the coding strand, the complement: MYH9 is on the minus strand). VCF-style: chr22-36288387-C-G. GRCh37 (hg19) VCF-style: chr22-36684433-C-G.
Other names: short protein forms E1599D.
Identifiers: ClinVar variation 1447542 (VCV001447542.10), dbSNP rs781661570, ClinGen allele CA10209282.
Genomic context (GRCh38, chr22:36,288,387, plus strand): 5'-CAGGTCCATCTCCAGCTTCTTCCGGGCGGCCACTGCCATCGAGCGCTGCTTCCTCTCGTC[C>G]TCCAGCTCTGCCTCCATCTCCCGCACCTGGGGGAAGGAACATCAACAACTTGGGAAGCTG-3'
Protein context (NP_002464.1, residues 1589-1609): RQVREMEAEL[Glu1599Asp]DERKQRSMAV